The following is an entry in ClinVar:

NM_001177316.2(SLC34A3):c.1517T>A (p.Leu506His)

Gene: SLC34A3 (solute carrier family 34 member 3; plus strand). Cytogenetic location: 9q34.3.
Variant type: single nucleotide variant.
Coding change: c.1517T>A on transcript NM_001177316.2 (MANE Select); coding-DNA position 1517, T replaced by A.
Protein change: p.Leu506His; replaces leucine 506 with histidine.
Molecular consequence: missense variant.
Genome position (GRCh38, 1-based): chr9:137,236,133, T>A. VCF-style: chr9-137236133-T-A. GRCh37 (hg19) VCF-style: chr9-140130585-T-A.
Other names: c.1517T>A, p.Leu506His (NM_001177317.2, NM_080877.3); short protein forms L506H.
Identifiers: ClinVar variation 942678 (VCV000942678.8), dbSNP rs1017557592, ClinGen allele CA201700002.

ClinVar aggregate classification (germline): Uncertain significance. Review status: criteria provided, multiple submitters, no conflicts (2 of 4 stars). 2 submissions from 2 submitters: Uncertain significance (2). Last evaluated 2024-01-18.

Conditions:
Autosomal recessive hypophosphatemic bone disease (HHRH). Also called: HYPERCALCIURIC RICKETS; Hypophosphatemic rickets with hypercalciuria. Identifiers: Orphanet 157215, MedGen C1853271, MONDO:0009431, OMIM 241530.

Allele frequency attached by ClinVar (database versions not stated): gnomAD exomes below 0.00001 and 0.00004; gnomAD 0.00001; TOPMed 0.00003.
gnomAD v4.1: 52 of 1,610,676 alleles (0.0032%); highest among the groups gnomAD compares: Non-Finnish European, 0.0044%; no homozygotes.

Submissions (2):

Labcorp Genetics (formerly Invitae), Labcorp
Classification: Uncertain significance. Last evaluated: 2024-01-18. Review status: criteria provided, single submitter. Criteria: Invitae Variant Classification Sherloc (09022015). Collection method: clinical testing. Allele origin: germline.
Comment: This sequence change replaces leucine, which is neutral and non-polar, with histidine, which is basic and polar, at codon 506 of the SLC34A3 protein (p.Leu506His). This variant is present in population databases (no rsID available, gnomAD 0.0009%). This variant has not been reported in the literature in individuals affected with SLC34A3-related conditions. ClinVar contains an entry for this variant (Variation ID: 942678). Advanced modeling of protein sequence and biophysical properties (such as structural, functional, and spatial information, amino acid conservation, physicochemical variation, residue mobility, and thermodynamic stability) has been performed at Invitae for this missense variant, however the output from this modeling did not meet the statistical confidence thresholds required to predict the impact of this variant on SLC34A3 protein function. In summary, the available evidence is currently insufficient to determine the role of this variant in disease. Therefore, it has been classified as a Variant of Uncertain Significance.

Fulgent Genetics
Classification: Uncertain significance for Autosomal recessive hypophosphatemic bone disease. Last evaluated: 2022-04-26. Review status: criteria provided, single submitter. Criteria: ACMG Guidelines, 2015. Collection method: clinical testing. Allele origin: unknown.